The following is an entry in ClinVar:

NM_007194.4(CHEK2):c.718del (p.Arg240fs)

Gene: CHEK2 (checkpoint kinase 2; minus strand). Cytogenetic location: 22q12.1.
Variant type: Deletion.
Coding change: c.718del on transcript NM_007194.4 (MANE Select); coding-DNA position 718, one base deleted (A; older notation c.718delA).
Protein change: p.Arg240fs; shifts the reading frame from arginine 240.
Molecular consequence: frameshift variant.
Genome position (GRCh38, 1-based): chr22:28,711,983, T deleted on the plus strand (A on the coding strand, the reverse complement: CHEK2 is on the minus strand). VCF-style (leftmost placement, unchanged base first): chr22-28711982-CT-C. GRCh37 (hg19) VCF-style: chr22-29107970-CT-C.
Other names: c.847delA, p.Arg283Glyfs (NM_001005735.3); c.55delA, p.Arg19Glyfs (NM_001257387.3); c.517delA, p.Arg173Glyfs (NM_001349956.3); c.718delA, p.Arg240Glyfs (NM_145862.3); short protein forms R173fs, R19fs, R240fs, R283fs.
Identifiers: ClinVar variation 1072939 (VCV001072939.8), dbSNP rs2145951649, ClinGen allele CA2499226084.

ClinVar aggregate classification (germline): Pathogenic (1 of 4 stars; one submission).

Conditions:
Familial cancer of breast. Also called: Hereditary breast cancer; hereditary breast carcinoma; BREAST CANCER, FAMILIAL. Identifiers: Orphanet 227535, MedGen C0346153, MONDO:0016419, OMIM 114480. Disease mechanism: loss of function.

Submission:

Labcorp Genetics (formerly Invitae), Labcorp
Classification: Pathogenic for Familial cancer of breast. Last evaluated: 2020-07-30. Review status: criteria provided, single submitter. Criteria: Invitae Variant Classification Sherloc (09022015). Collection method: clinical testing. Allele origin: germline.
Comment: For these reasons, this variant has been classified as Pathogenic. Loss-of-function variants in CHEK2 are known to be pathogenic (PMID: 21876083, 24713400). This variant has not been reported in the literature in individuals with CHEK2-related conditions. This variant is not present in population databases (ExAC no frequency). This sequence change creates a premature translational stop signal (p.Arg240Glyfs*7) in the CHEK2 gene. It is expected to result in an absent or disrupted protein product.

Literature cited by the submitters: PubMed 21876083; PubMed 24713400.